The following is an entry in ClinVar:

NM_000090.4(COL3A1):c.805G>C (p.Asp269His)

Gene: COL3A1 (collagen type III alpha 1 chain; plus strand). Cytogenetic location: 2q32.2.
Variant type: single nucleotide variant.
Coding change: c.805G>C on transcript NM_000090.4 (MANE Select); coding-DNA position 805, G replaced by C.
Protein change: p.Asp269His; replaces aspartic acid 269 with histidine.
Molecular consequence: missense variant.
Genome position (GRCh38, 1-based): chr2:188,991,010, G>C. VCF-style: chr2-188991010-G-C. GRCh37 (hg19) VCF-style: chr2-189855736-G-C.
Other names: short protein forms D269H.
Identifiers: ClinVar variation 4756689 (VCV004756689.1).

ClinVar aggregate classification (germline): Uncertain significance (1 of 4 stars; one submission).

Conditions:
Familial thoracic aortic aneurysm and aortic dissection (TAAD). Also called: Thoracic aortic aneurysms and dissections. Identifiers: Orphanet 91387, MedGen C4707243, MONDO:0019625.

gnomAD v4.1: 1 of 1,613,160 alleles (0.000062%); highest among the groups gnomAD compares: Non-Finnish European, 0.000085%; no homozygotes.

Submission:

Color Diagnostics, LLC DBA Color Health
Classification: Uncertain significance for Familial thoracic aortic aneurysm and aortic dissection. Last evaluated: 2025-05-20. Review status: criteria provided, single submitter. Criteria: ACMG Guidelines, 2015. Collection method: clinical testing. Allele origin: germline.
Comment: This missense variant replaces aspartic acid with histidine at codon 269 of the COL3A1 protein. Computational prediction tool is inconclusive regarding the impact of this variant on protein structure and function. To our knowledge, functional studies have not been reported for this variant. This variant has been reported in an individual affected with congenital contractural arachnodactyly and a connective tissue disorder (PMID: 30675029)this individual also carried a variant in the FBN2 gene. This variant has not been identified in the general population by the Genome Aggregation Database (gnomAD). The available evidence is insufficient to determine the role of this variant in disease conclusively. Therefore, this variant is classified as a Variant of Uncertain Significance.

Literature cited by the submitters: PubMed 30675029.